The following is an entry in ClinVar:

ClinVar aggregate classification (germline): Uncertain significance. Review status: criteria provided, multiple submitters, no conflicts (2 of 4 stars). 2 submissions from 2 submitters: Uncertain significance (2). Last evaluated 2025-05-16.

Conditions:
TARDBP-related disorder. Also called: TARDBP-related condition.
FRONTOTEMPORAL LOBAR DEGENERATION WITH TDP43 INCLUSIONS, TARDBP-RELATED. Also called: Frontotemporal lobar degeneration, TARDBP-related. Identifiers: MedGen C3150169, OMIM 612069.
Amyotrophic lateral sclerosis type 10 (ALS10). Also called: AMYOTROPHIC LATERAL SCLEROSIS 10 WITHOUT FRONTOTEMPORAL DEMENTIA AND WITH TDP43 INCLUSIONS; AMYOTROPHIC LATERAL SCLEROSIS 10 WITH OR WITHOUT FRONTOTEMPORAL DEMENTIA AND WITH TDP43 INCLUSIONS; AMYOTROPHIC LATERAL SCLEROSIS 10 WITH OR WITHOUT FRONTOTEMPORAL DEMENTIA; TARDBP-Related Amyotrophic Lateral Sclerosis-Frontotemporal Dementia; Amyotrophic lateral sclerosis 10, with or without FTD. Identifiers: Orphanet 275872, Orphanet 803, MedGen C2677565, MONDO:0012790, OMIM 612069.

Allele frequency attached by ClinVar (database versions not stated): gnomAD 0.00001; TOPMed 0.00001; ESP Exome Variant Server 0.00008; gnomAD exomes below 0.00001.
gnomAD v4.1: 2 of 1,613,814 alleles (0.00012%); highest among the groups gnomAD compares: Admixed American, 0.0017%; no homozygotes.

Submissions (2):

PreventionGenetics, part of Exact Sciences
Classification: Uncertain significance for TARDBP-related condition. Last evaluated: 2025-05-16. Review status: criteria provided, single submitter. Criteria: ACMG Guidelines, 2015. Collection method: clinical testing. Allele origin: germline.
Comment: The TARDBP c.941G>C variant is predicted to result in the amino acid substitution p.Gly314Ala. This variant was previously reported as a variant of uncertain significance in a cohort of individuals with amyotrophic lateral sclerosis/frontotemporal dementia (Mesaros et al. 2021. PubMed ID: 35052416). This variant has not been reported in a large population database (gnomAD), indicating this variant is rare. However, at PreventionGenetics we have observed this variant in the homozygous state in four individuals with features consistent with TARDBP-related disease (internal data). This variant is located within the conserved C-terminal region of TARDBP, where missense change is typically not tolerated and is considered a hot spot for ALS-causing variants (Tiloca et al. 2022. PubMed ID: 36247987). At this time, the clinical significance of this variant is uncertain due to the absence of conclusive functional and genetic evidence.

Labcorp Genetics (formerly Invitae), Labcorp
Classification: Uncertain significance for Amyotrophic lateral sclerosis type 10; FRONTOTEMPORAL LOBAR DEGENERATION WITH TDP43 INCLUSIONS, TARDBP-RELATED. Last evaluated: 2023-01-09. Review status: criteria provided, single submitter. Criteria: Invitae Variant Classification Sherloc (09022015). Collection method: clinical testing. Allele origin: germline.
Comment: This sequence change replaces glycine, which is neutral and non-polar, with alanine, which is neutral and non-polar, at codon 314 of the TARDBP protein (p.Gly314Ala). This variant is not present in population databases (gnomAD no frequency). This variant has not been reported in the literature in individuals affected with TARDBP-related conditions. Advanced modeling of protein sequence and biophysical properties (such as structural, functional, and spatial information, amino acid conservation, physicochemical variation, residue mobility, and thermodynamic stability) performed at Invitae indicates that this missense variant is not expected to disrupt TARDBP protein function. In summary, the available evidence is currently insufficient to determine the role of this variant in disease. Therefore, it has been classified as a Variant of Uncertain Significance.

NM_007375.4(TARDBP):c.941G>C (p.Gly314Ala)

Gene: TARDBP (TAR DNA binding protein; plus strand). Cytogenetic location: 1p36.22.
Variant type: single nucleotide variant.
Coding change: c.941G>C on transcript NM_007375.4 (MANE Select); coding-DNA position 941, G replaced by C.
Protein change: p.Gly314Ala; replaces glycine 314 with alanine.
Molecular consequence: missense variant.
Genome position (GRCh38, 1-based): chr1:11,022,350, G>C. VCF-style: chr1-11022350-G-C. GRCh37 (hg19) VCF-style: chr1-11082407-G-C.
Other names: short protein forms G314A.
Identifiers: ClinVar variation 2073160 (VCV002073160.4), dbSNP rs150052883, ClinGen allele CA17876222.